The following is an entry in ClinVar:

NM_194454.3(KRIT1):c.1140G>A (p.Thr380=)

Gene: KRIT1 (KRIT1 ankyrin repeat containing; minus strand). Cytogenetic location: 7q21.2.
Variant type: single nucleotide variant.
Coding change: c.1140G>A on transcript NM_194454.3 (MANE Select); coding-DNA position 1140, G replaced by A.
Protein change: p.Thr380=; no amino-acid change (threonine 380 retained).
Molecular consequence: synonymous variant.
Genome position (GRCh38, 1-based): chr7:92,226,532, C>T on the plus strand (G>A on the coding strand, the complement: KRIT1 is on the minus strand). VCF-style: chr7-92226532-C-T. GRCh37 (hg19) VCF-style: chr7-91855846-C-T.
Other names: p.Thr380=; c.1140G>A, p.Thr380= (NM_004912.4, NM_194455.1, NM_194456.1 and 26 more transcripts); c.996G>A, p.Thr332= (NM_001013406.2, NM_001350669.1, NM_001350670.1); c.426G>A, p.Thr142= (NM_001350671.1).
Identifiers: ClinVar variation 263093 (VCV000263093.28), dbSNP rs140009885, ClinGen allele CA4339206.

ClinVar aggregate classification (germline): Benign/Likely benign. Review status: criteria provided, multiple submitters, no conflicts (2 of 4 stars). 9 submissions from 8 submitters: Benign (4); Likely benign (5). Last evaluated 2025-04-29.

Conditions:
Inborn genetic diseases. Identifiers: MedGen C0950123, MeSH D030342.
Angiokeratoma corporis diffusum with arteriovenous fistulas. Identifiers: MedGen C1838141, MONDO:0010885, OMIM 600419.
Cerebral cavernous malformation (CCM). Also called: Cerebral cavernous hemangioma (type); Cerebral cavernous malformations; Cavernous Hemangioma of Brain; CAVERNOUS ANGIOMA, FAMILIAL; CAVERNOUS ANGIOMATOUS MALFORMATIONS; CEREBRAL CAPILLARY MALFORMATIONS. Identifiers: Orphanet 221061, MedGen C2919945, MONDO:0000820, OMIM 116860, HP:0033522.

Allele frequency attached by ClinVar (database versions not stated): 1000 Genomes Project 30x 0.00047; 1000 Genomes Project 0.00060; ExAC 0.00135; gnomAD exomes 0.00143 and 0.00255; gnomAD 0.00146 and 0.00187; TOPMed 0.00169; ESP Exome Variant Server 0.00200.
gnomAD v4.1: 3,927 of 1,610,028 alleles (0.24%); highest among the groups gnomAD compares: Non-Finnish European, 0.3%; 10 homozygotes.

Submissions (9):

Labcorp Genetics (formerly Invitae), Labcorp
Classification: Benign for Cerebral cavernous malformation. Last evaluated: 2025-04-29. Review status: criteria provided, single submitter. Criteria: Invitae Variant Classification Sherloc (09022015). Collection method: clinical testing. Allele origin: germline.

Blueprint Genetics
Classification: Likely benign. Last evaluated: 2024-11-27. Review status: criteria provided, single submitter. Criteria: ACMG Guidelines, 2015. Collection method: clinical testing. Allele origin: germline.

Mayo Clinic Laboratories, Mayo Clinic
Classification: Benign. Last evaluated: 2024-05-22. Review status: criteria provided, single submitter. Criteria: ACMG Guidelines, 2015. Collection method: clinical testing. Allele origin: germline. Observed: 4 variant alleles.
Comment: BS1, BS2, BP4, BP7

Ambry Genetics
Classification: Likely benign for Inborn genetic diseases. Last evaluated: 2022-05-02. Review status: criteria provided, single submitter. Criteria: Ambry Variant Classification Scheme 2023. Collection method: clinical testing. Allele origin: germline.

GeneDx
Classification: Likely benign. Last evaluated: 2020-12-31. Review status: criteria provided, single submitter. Criteria: GeneDx Variant Classification Process June 2021. Collection method: clinical testing. Allele origin: germline. Affected: yes.

ARUP Laboratories, Molecular Genetics and Genomics, ARUP Laboratories
Classification: Benign. Last evaluated: 2019-01-20. Review status: criteria provided, single submitter. Criteria: ARUP Molecular Germline Variant Investigation Process. Collection method: clinical testing. Allele origin: germline.

Illumina Laboratory Services, Illumina
Classification: Benign for Angiokeratoma corporis diffusum with arteriovenous fistulas. Last evaluated: 2018-01-12. Review status: criteria provided, single submitter. Criteria: ICSL Variant Classification Criteria 13 December 2019. Collection method: clinical testing. Allele origin: germline.
Comment: This variant was observed in the ICSL laboratory as part of a predisposition screen in an ostensibly healthy population. It had not been previously curated by ICSL or reported in the Human Gene Mutation Database (HGMD: prior to June 1st, 2018), and was therefore a candidate for classification through an automated scoring system. Utilizing variant allele frequency, disease prevalence and penetrance estimates, and inheritance mode, an automated score was calculated to assess if this variant is too frequent to cause the disease. Based on the score and internal cut-off values, a variant classified as benign is not then subjected to further curation. The score for this variant resulted in a classification of benign for this disease.

Illumina Laboratory Services, Illumina
Classification: Likely benign for Cerebral cavernous malformation. Last evaluated: 2018-01-12. Review status: criteria provided, single submitter. Criteria: ICSL Variant Classification Criteria 13 December 2019. Collection method: clinical testing. Allele origin: germline.
Comment: This variant was observed in the ICSL laboratory as part of a predisposition screen in an ostensibly healthy population. It had not been previously curated by ICSL or reported in the Human Gene Mutation Database (HGMD: prior to June 1st, 2018), and was therefore a candidate for classification through an automated scoring system. Utilizing variant allele frequency, disease prevalence and penetrance estimates, and inheritance mode, an automated score was calculated to assess if this variant is too frequent to cause the disease. Based on the score and internal cut-off values, a variant classified as likely benign is not then subjected to further curation. The score for this variant resulted in a classification of likely benign for this disease.

PreventionGenetics, part of Exact Sciences
Classification: Likely benign. Review status: criteria provided, single submitter. Criteria: ACMG Guidelines, 2015. Collection method: clinical testing. Allele origin: germline.